The following is an entry in ClinVar:

NM_014714.4(IFT140):c.238T>A (p.Trp80Arg)

Genes: IFT140 (intraflagellar transport 140; minus strand), LOC105371046 (uncharacterized LOC105371046; plus strand). Cytogenetic location: 16p13.3.
Variant type: single nucleotide variant.
Coding change: c.238T>A on transcript NM_014714.4 (MANE Select); coding-DNA position 238, T replaced by A.
Protein change: p.Trp80Arg; replaces tryptophan 80 with arginine.
Molecular consequence: missense variant.
Genome position (GRCh38, 1-based): chr16:1,602,501, A>T on the plus strand (T>A on the coding strand, the complement: IFT140 is on the minus strand). VCF-style: chr16-1602501-A-T. GRCh37 (hg19) VCF-style: chr16-1652502-A-T.
Other names: short protein forms W80R.
Identifiers: ClinVar variation 1314373 (VCV001314373.2), dbSNP rs2035846628, ClinGen allele CA394223206.

ClinVar aggregate classification (germline): Uncertain significance (1 of 4 stars; one submission).

Allele frequency attached by ClinVar (database versions not stated): TOPMed below 0.00001.

Submission:

GeneDx
Classification: Uncertain significance. Last evaluated: 2021-04-08. Review status: criteria provided, single submitter. Criteria: GeneDx Variant Classification Process June 2021. Collection method: clinical testing. Allele origin: germline. Affected: yes.
Comment: Not observed in large population cohorts (Lek et al., 2016); In silico analysis supports that this missense variant has a deleterious effect on protein structure/function; Has not been previously published as pathogenic or benign to our knowledge